The following is an entry in ClinVar:

NM_014243.3(ADAMTS3):c.64G>T (p.Gly22Ter)

Gene: ADAMTS3 (ADAM metallopeptidase with thrombospondin type 1 motif 3; minus strand). Cytogenetic location: 4q13.3.
Variant type: single nucleotide variant.
Coding change: c.64G>T on transcript NM_014243.3 (MANE Select); coding-DNA position 64, G replaced by T.
Protein change: p.Gly22Ter; replaces glycine 22 with a stop codon.
Molecular consequence: nonsense.
Genome position (GRCh38, 1-based): chr4:72,568,699, C>A on the plus strand (G>T on the coding strand, the complement: ADAMTS3 is on the minus strand). VCF-style: chr4-72568699-C-A. GRCh37 (hg19) VCF-style: chr4-73434416-C-A.
Other names: short protein forms G22*.
Identifiers: ClinVar variation 161671 (VCV000161671.2), dbSNP rs193921131, ClinGen allele CA174571.

ClinVar aggregate classification (germline): Uncertain significance (0 of 4 stars; one submission).

Conditions:
Prostate cancer. Also called: Malignant tumor of prostate. Identifiers: Orphanet 1331, MedGen C0376358, MONDO:0008315, HP:0012125.

Submission:

Science for Life laboratory,  Karolinska Institutet
Classification: Uncertain significance for Malignant tumor of prostate. Review status: no assertion criteria provided. Collection method: not provided. Allele origin: somatic.
Comment: TumorID:SWE-92B
ClinVar note: Converted during submission from Unknown to Uncertain significance.